The following is an entry in ClinVar:

NM_030777.4(SLC2A10):c.546C>T (p.Leu182=)

Gene: SLC2A10 (solute carrier family 2 member 10; plus strand). Cytogenetic location: 20q13.12.
Variant type: single nucleotide variant.
Coding change: c.546C>T on transcript NM_030777.4 (MANE Select); coding-DNA position 546, C replaced by T.
Protein change: p.Leu182=; no amino-acid change (leucine 182 retained).
Molecular consequence: synonymous variant.
Genome position (GRCh38, 1-based): chr20:46,725,582, C>T. VCF-style: chr20-46725582-C-T. GRCh37 (hg19) VCF-style: chr20-45354221-C-T.
Identifiers: ClinVar variation 2573625 (VCV002573625.1), dbSNP rs763055043, ClinGen allele CA9891998.

ClinVar aggregate classification (germline): Likely benign (1 of 4 stars; one submission).

Allele frequency attached by ClinVar (database versions not stated): ExAC 0.00001; gnomAD 0.00001.
gnomAD v4.1: 3 of 1,614,102 alleles (0.00019%); highest among the groups gnomAD compares: African/African-American, 0.004%; no homozygotes.

Submission:

Women's Health and Genetics/Laboratory Corporation of America, LabCorp
Classification: Likely benign. Last evaluated: 2023-06-26. Review status: criteria provided, single submitter. Criteria: LabCorp Variant Classification Summary - May 2015. Collection method: clinical testing. Allele origin: germline.
Comment: Variant summary: SLC2A10 c.546C>T alters a non-conserved nucleotide resulting in a synonymous change. 4/4 computational tools predict no significant impact on normal splicing. However, these predictions have yet to be confirmed by functional studies. The variant allele was found at a frequency of 4e-06 in 251344 control chromosomes (gnomAD). The available data on variant occurrences in the general population are insufficient to allow any conclusion about variant significance. To our knowledge, no occurrence of c.546C>T in individuals affected with Arterial Tortuosity Syndrome and no experimental evidence demonstrating its impact on protein function have been reported. No submitters have cited clinical-significance assessments for this variant to ClinVar after 2014. Based on the evidence outlined above, the variant was classified as likely benign.